The following is an entry in ClinVar:

NM_004855.5(PIGB):c.71T>A (p.Leu24His)

Genes: PIGB (phosphatidylinositol glycan anchor biosynthesis class B; plus strand), LOC130057104 (ATAC-STARR-seq lymphoblastoid active region 9443; plus strand). Cytogenetic location: 15q21.3.
Variant type: single nucleotide variant.
Coding change: c.71T>A on transcript NM_004855.5 (MANE Select); coding-DNA position 71, T replaced by A.
Protein change: p.Leu24His; replaces leucine 24 with histidine.
Molecular consequence: missense variant.
Genome position (GRCh38, 1-based): chr15:55,319,321, T>A. VCF-style: chr15-55319321-T-A. GRCh37 (hg19) VCF-style: chr15-55611519-T-A.
Other names: short protein forms L24H.
Identifiers: ClinVar variation 1958739 (VCV001958739.5), dbSNP rs1215424383, ClinGen allele CA392540939.

ClinVar aggregate classification (germline): Uncertain significance (1 of 4 stars; one submission).

Allele frequency attached by ClinVar (database versions not stated): gnomAD 0.00001; TOPMed 0.00001.

Submission:

Labcorp Genetics (formerly Invitae), Labcorp
Classification: Uncertain significance. Last evaluated: 2022-04-17. Review status: criteria provided, single submitter. Criteria: Invitae Variant Classification Sherloc (09022015). Collection method: clinical testing. Allele origin: germline.
Comment: This variant is not present in population databases (gnomAD no frequency). In summary, the available evidence is currently insufficient to determine the role of this variant in disease. Therefore, it has been classified as a Variant of Uncertain Significance. Algorithms developed to predict the effect of missense changes on protein structure and function are either unavailable or do not agree on the potential impact of this missense change (SIFT: "Tolerated"; PolyPhen-2: "Possibly Damaging"; Align-GVGD: "Class C0"). This variant has not been reported in the literature in individuals affected with PIGB-related conditions. This sequence change replaces leucine, which is neutral and non-polar, with histidine, which is basic and polar, at codon 24 of the PIGB protein (p.Leu24His).